The following is an entry in ClinVar:

ClinVar aggregate classification (germline): Benign. Review status: criteria provided, multiple submitters, no conflicts (2 of 4 stars). 4 submissions from 4 submitters: Benign (2). 2 of the submissions do not count toward it. Last evaluated 2024-01-24.

Submissions (4):

Unidad de Genómica Garrahan, Hospital de Pediatría Garrahan
Classification: Benign. Last evaluated: 2024-01-24. Review status: criteria provided, single submitter. Criteria: ACMG Guidelines, 2015. Collection method: clinical testing. Allele origin: germline. Affected: no. Observed: 48 variant alleles.
Comment: This variant is classified as Benign based on local population frequency. This variant was detected in 51% of patients studied by a panel of primary immunodeficiencies. Number of patients: 48. Only high quality variants are reported.

GeneDx
Classification: Benign. Last evaluated: 2019-08-07. Review status: criteria provided, single submitter. Criteria: GeneDx Variant Classification Process June 2021. Collection method: clinical testing. Allele origin: germline. Affected: yes.

Clinical Genetics Laboratory, Department of Pathology, Netherlands Cancer Institute
Classification: Benign. Review status: no assertion criteria provided. Collection method: clinical testing. Allele origin: germline. Affected: yes. Study: VKGL Data-share Consensus. Not counted in ClinVar's aggregate classification.

Clinical Genetics, Academic Medical Center
Classification: Benign. Review status: no assertion criteria provided. Collection method: clinical testing. Allele origin: germline. Affected: yes. Study: VKGL Data-share Consensus. Not counted in ClinVar's aggregate classification.

NM_000051.4(ATM):c.331+69dup

Gene: ATM (ATM serine/threonine kinase; plus strand). Cytogenetic location: 11q22.3.
Variant type: Duplication.
Coding change: c.331+69dup on transcript NM_000051.4 (MANE Select); 69 bases into the intron after coding-DNA position 331, one base duplicated (T; older notation c.331+69dupT).
Molecular consequence: intron variant.
Genome position (GRCh38, 1-based): chr11:108,229,392, T duplicated; the last of 14 consecutive T bases (chr11:108,229,379-108,229,392); duplicating any one gives the same sequence. VCF-style (leftmost placement, unchanged base first): chr11-108229378-G-GT. GRCh37 (hg19) VCF-style: chr11-108100105-G-GT.
Other names: c.331+69dup (NM_001351834.2).
Identifiers: ClinVar variation 1225892 (VCV001225892.6), dbSNP rs11390378, ClinGen allele CA6264575.